The following is an entry in ClinVar:

ClinVar aggregate classification (germline): Uncertain significance (1 of 4 stars; one submission).

Submission:

Labcorp Genetics (formerly Invitae), Labcorp
Classification: Uncertain significance. Last evaluated: 2025-03-07. Review status: criteria provided, single submitter. Criteria: Invitae Variant Classification Sherloc (09022015). Collection method: clinical testing. Allele origin: germline.
Comment: This sequence change replaces threonine, which is neutral and polar, with isoleucine, which is neutral and non-polar, at codon 333 of the ADGRB2 protein (p.Thr333Ile). This variant is not present in population databases (gnomAD no frequency). This variant has not been reported in the literature in individuals affected with ADGRB2-related conditions. An algorithm developed to predict the effect of missense changes on protein structure and function (PolyPhen-2) suggests that this variant is likely to be disruptive. In summary, the available evidence is currently insufficient to determine the role of this variant in disease. Therefore, it has been classified as a Variant of Uncertain Significance.

NM_001364857.2(ADGRB2):c.998C>T (p.Thr333Ile)

Gene: ADGRB2 (adhesion G protein-coupled receptor B2; minus strand). Cytogenetic location: 1p35.2.
Variant type: single nucleotide variant.
Coding change: c.998C>T on transcript NM_001364857.2 (MANE Select); coding-DNA position 998, C replaced by T.
Protein change: p.Thr333Ile; replaces threonine 333 with isoleucine.
Molecular consequence: missense variant.
Genome position (GRCh38, 1-based): chr1:31,744,282, G>A on the plus strand (C>T on the coding strand, the complement: ADGRB2 is on the minus strand). VCF-style: chr1-31744282-G-A. GRCh37 (hg19) VCF-style: chr1-32209883-G-A.
Other names: c.998C>T, p.Thr333Ile (NM_001294335.2, NM_001294336.2); short protein forms T333I.
Identifiers: ClinVar variation 3657876 (VCV003657876.2).